The following is an entry in ClinVar:

NM_033225.6(CSMD1):c.1649C>G (p.Thr550Ser)

Gene: CSMD1 (CUB and Sushi multiple domains 1; minus strand). Cytogenetic location: 8p23.2.
Variant type: single nucleotide variant.
Coding change: c.1649C>G on transcript NM_033225.6 (MANE Select); coding-DNA position 1649, C replaced by G.
Protein change: p.Thr550Ser; replaces threonine 550 with serine.
Molecular consequence: missense variant.
Genome position (GRCh38, 1-based): chr8:3,409,518, G>C on the plus strand (C>G on the coding strand, the complement: CSMD1 is on the minus strand). VCF-style: chr8-3409518-G-C. GRCh37 (hg19) VCF-style: chr8-3267040-G-C.
Other names: short protein forms T550S.
Identifiers: ClinVar variation 2631054 (VCV002631054.1), dbSNP rs200929585, ClinGen allele CA4608720.

ClinVar aggregate classification (germline): Uncertain significance (1 of 4 stars; one submission).

Conditions:
CSMD1-related disorder. Also called: CSMD1-related condition.

gnomAD v4.1: 4 of 1,611,260 alleles (0.00025%); highest among the groups gnomAD compares: Admixed American, 0.0067%; no homozygotes.

Submission:

PreventionGenetics, part of Exact Sciences
Classification: Uncertain significance for CSMD1-related condition. Last evaluated: 2023-08-30. Review status: criteria provided, single submitter. Criteria: ACMG Guidelines, 2015. Collection method: clinical testing. Allele origin: germline.
Comment: The CSMD1 c.1649C>G variant is predicted to result in the amino acid substitution p.Thr550Ser. To our knowledge, this variant has not been reported in the literature. This variant is reported in 0.0029% of alleles in individuals of Latino descent in gnomAD. At this time, the clinical significance of this variant is uncertain due to the absence of conclusive functional and genetic evidence.